The following is an entry in ClinVar:

ClinVar aggregate classification (germline): Uncertain significance (1 of 4 stars; one submission).

gnomAD v4.1: 1 of 1,544,906 alleles (0.000065%); no homozygotes.

Submission:

Labcorp Genetics (formerly Invitae), Labcorp
Classification: Uncertain significance. Last evaluated: 2022-04-10. Review status: criteria provided, single submitter. Criteria: Invitae Variant Classification Sherloc (09022015). Collection method: clinical testing. Allele origin: germline.
Comment: This variant is not present in population databases (gnomAD no frequency). This variant has not been reported in the literature in individuals affected with COQ2-related conditions. Algorithms developed to predict the effect of missense changes on protein structure and function are either unavailable or do not agree on the potential impact of this missense change (SIFT: "Tolerated"; PolyPhen-2: "Probably Damaging"; Align-GVGD: "Class C0"). In summary, the available evidence is currently insufficient to determine the role of this variant in disease. Therefore, it has been classified as a Variant of Uncertain Significance. This sequence change replaces aspartic acid, which is acidic and polar, with asparagine, which is neutral and polar, at codon 308 of the COQ2 protein (p.Asp308Asn).

NM_001358921.2(COQ2):c.772G>A (p.Asp258Asn)

Gene: COQ2 (coenzyme Q2, polyprenyltransferase; minus strand). Cytogenetic location: 4q21.23.
Variant type: single nucleotide variant.
Coding change: c.772G>A on transcript NM_001358921.2 (MANE Select); coding-DNA position 772, G replaced by A.
Protein change: p.Asp258Asn; replaces aspartic acid 258 with asparagine.
Molecular consequence: missense variant.
Genome position (GRCh38, 1-based): chr4:83,267,765, C>T on the plus strand (G>A on the coding strand, the complement: COQ2 is on the minus strand). VCF-style: chr4-83267765-C-T. GRCh37 (hg19) VCF-style: chr4-84188918-C-T.
Other names: c.922G>A, p.Asp308Asn (NM_015697.9); short protein forms D308N, D258N.
Identifiers: ClinVar variation 2084401 (VCV002084401.4), dbSNP rs2529753194, ClinGen allele CA357229251.